The following is an entry in ClinVar:

ClinVar aggregate classification (germline): Pathogenic (1 of 4 stars; one submission).

Conditions:
Familial thoracic aortic aneurysm and aortic dissection (TAAD). Also called: Thoracic aortic aneurysms and dissections. Identifiers: Orphanet 91387, MedGen C4707243, MONDO:0019625.
Marfan syndrome (MFS). Also called: Marfan syndrome type 1; Marfan's syndrome; Marfan syndrome, classic; MARFAN SYNDROME, TYPE I; FBN1-Related Marfan Syndrome. Identifiers: Orphanet 284963, Orphanet 558, MedGen C0024796, MONDO:0007947, OMIM 154700.

Submission:

Labcorp Genetics (formerly Invitae), Labcorp
Classification: Pathogenic for Marfan syndrome; Familial thoracic aortic aneurysm and aortic dissection. Last evaluated: 2020-03-11. Review status: criteria provided, single submitter. Criteria: Invitae Variant Classification Sherloc (09022015). Collection method: clinical testing. Allele origin: germline.
Comment: This variant affects a cysteine residue in the EGF-like, TGFBP or hybrid motif domains of FBN1. Cysteine residues are believed to be involved in intramolecular disulfide bridges and have been shown to be important for FBN1 protein structure (PMID: 16905551, 19349279). In addition, missense substitutions affecting cysteine residues within these domains are significantly overrepresented among patients with Marfan syndrome (PMID: 16571647, 17701892). This variant disrupts the p.Cys1934 amino acid residue in FBN1. Other variant(s) that disrupt this residue have been observed in individuals with FBN1-related conditions (PMID: 18435798, 21542060, 25907466), which suggests that this may be a clinically significant amino acid residue. Algorithms developed to predict the effect of missense changes on protein structure and function are either unavailable or do not agree on the potential impact of this missense change (SIFT: "Deleterious"; PolyPhen-2: "Probably Damaging"; Align-GVGD: "Class C0"). This variant has been observed in individual(s) with clinical features of Marfan syndrome (Invitae). This variant is not present in population databases (ExAC no frequency). This sequence change replaces cysteine with tryptophan at codon 1934 of the FBN1 protein (p.Cys1934Trp). The cysteine residue is highly conserved and there is a large physicochemical difference between cysteine and tryptophan. For these reasons, this variant has been classified as Pathogenic.

Literature cited by the submitters: PubMed 16905551; PubMed 19349279; PubMed 16571647; PubMed 17701892; PubMed 18435798; PubMed 21542060; PubMed 25907466.

NM_000138.5(FBN1):c.5802T>G (p.Cys1934Trp)

Gene: FBN1 (fibrillin 1; minus strand). Cytogenetic location: 15q21.1.
Variant type: single nucleotide variant.
Coding change: c.5802T>G on transcript NM_000138.5 (MANE Select); coding-DNA position 5802, T replaced by G.
Protein change: p.Cys1934Trp; replaces cysteine 1934 with tryptophan.
Molecular consequence: missense variant.
Genome position (GRCh38, 1-based): chr15:48,445,491, A>C on the plus strand (T>G on the coding strand, the complement: FBN1 is on the minus strand). VCF-style: chr15-48445491-A-C. GRCh37 (hg19) VCF-style: chr15-48737688-A-C.
Other names: short protein forms C1934W.
Identifiers: ClinVar variation 1072043 (VCV001072043.9), dbSNP rs2141249297, ClinGen allele CA392340217.